The following is an entry in ClinVar:

NM_006208.3(ENPP1):c.1444G>C (p.Glu482Gln)

Gene: ENPP1 (ectonucleotide pyrophosphatase/phosphodiesterase 1; plus strand). Cytogenetic location: 6q23.2.
Variant type: single nucleotide variant.
Coding change: c.1444G>C on transcript NM_006208.3 (MANE Select); coding-DNA position 1444, G replaced by C.
Protein change: p.Glu482Gln; replaces glutamic acid 482 with glutamine.
Molecular consequence: missense variant.
Genome position (GRCh38, 1-based): chr6:131,872,929, G>C. VCF-style: chr6-131872929-G-C. GRCh37 (hg19) VCF-style: chr6-132194069-G-C.
Other names: short protein forms E482Q.
Identifiers: ClinVar variation 2154090 (VCV002154090.4), dbSNP rs142676714, ClinGen allele CA4002227.
Genomic context (GRCh38, chr6:131,872,929, plus strand): 5'-ACTTTTTTAGATATTAGGGAAATAATAGTTTTTCTTTGCTGTTTGCAATTTCAGTGCCGG[G>C]AACCAAACCAGCACTTCAAACCTTACCTGAAACATTTCTTACCTAAGCGTTTGCACTTTG-3'
Protein context (NP_006199.2, residues 472-492): EGIARNLSCR[Glu482Gln]PNQHFKPYLK

ClinVar aggregate classification (germline): Uncertain significance (1 of 4 stars; one submission).

Allele frequency attached by ClinVar (database versions not stated): ExAC 0.00001; ESP Exome Variant Server 0.00008; gnomAD 0.00009; TOPMed 0.00019.

Submission:

Labcorp Genetics (formerly Invitae), Labcorp
Classification: Uncertain significance. Last evaluated: 2024-04-10. Review status: criteria provided, single submitter. Criteria: Invitae Variant Classification Sherloc (09022015). Collection method: clinical testing. Allele origin: germline.
Comment: This sequence change replaces glutamic acid, which is acidic and polar, with glutamine, which is neutral and polar, at codon 482 of the ENPP1 protein (p.Glu482Gln). This variant is present in population databases (rs142676714, gnomAD 0.02%). This variant has not been reported in the literature in individuals affected with ENPP1-related conditions. ClinVar contains an entry for this variant (Variation ID: 2154090). Advanced modeling of protein sequence and biophysical properties (such as structural, functional, and spatial information, amino acid conservation, physicochemical variation, residue mobility, and thermodynamic stability) performed at Invitae indicates that this missense variant is not expected to disrupt ENPP1 protein function with a negative predictive value of 80%. In summary, the available evidence is currently insufficient to determine the role of this variant in disease. Therefore, it has been classified as a Variant of Uncertain Significance.